The following is an entry in ClinVar:

NM_145698.5(ACBD5):c.608C>A (p.Ala203Glu)

Gene: ACBD5 (acyl-CoA binding domain containing 5; minus strand). Cytogenetic location: 10p12.1.
Variant type: single nucleotide variant.
Coding change: c.608C>A on transcript NM_145698.5 (MANE Select); coding-DNA position 608, C replaced by A.
Protein change: p.Ala203Glu; replaces alanine 203 with glutamic acid.
Molecular consequence: missense variant.
Genome position (GRCh38, 1-based): chr10:27,219,740, G>T on the plus strand (C>A on the coding strand, the complement: ACBD5 is on the minus strand). VCF-style: chr10-27219740-G-T. GRCh37 (hg19) VCF-style: chr10-27508669-G-T.
Other names: c.503C>A, p.Ala168Glu (NM_001042473.4, NM_001352577.2, NM_001352578.2 and 2 more transcripts); c.602C>A, p.Ala201Glu (NM_001271512.3, NM_001352587.1); c.281C>A, p.Ala94Glu (NM_001301251.2, NM_001301252.2, NM_001301253.2 and 3 more transcripts); c.662C>A, p.Ala221Glu (NM_001352568.1); c.641C>A, p.Ala214Glu (NM_001352569.1, NM_001352581.1); c.608C>A, p.Ala203Glu (NM_001352570.1, NM_001352588.1); c.635C>A, p.Ala212Glu (NM_001352571.1, NM_001352586.1); c.629C>A, p.Ala210Glu (NM_001352572.1); and 4 more; short protein forms A150E, A196E, A214E, A105E, A221E, A168E, A179E, A203E.
Identifiers: ClinVar variation 1346402 (VCV001346402.8), dbSNP rs1324749711, ClinGen allele CA376376020.

ClinVar aggregate classification (germline): Uncertain significance (1 of 4 stars; one submission).

Allele frequency attached by ClinVar (database versions not stated): gnomAD exomes below 0.00001 and 0.00002.

Submission:

Labcorp Genetics (formerly Invitae), Labcorp
Classification: Uncertain significance. Last evaluated: 2020-11-12. Review status: criteria provided, single submitter. Criteria: Invitae Variant Classification Sherloc (09022015). Collection method: clinical testing. Allele origin: germline.
Comment: Algorithms developed to predict the effect of missense changes on protein structure and function (SIFT, PolyPhen-2, Align-GVGD) all suggest that this variant is likely to be tolerated, but these predictions have not been confirmed by published functional studies and their clinical significance is uncertain. In summary, the available evidence is currently insufficient to determine the role of this variant in disease. Therefore, it has been classified as a Variant of Uncertain Significance. This variant has not been reported in the literature in individuals with ACBD5-related conditions. This sequence change replaces alanine with glutamic acid at codon 203 of the ACBD5 protein (p.Ala203Glu). The alanine residue is weakly conserved and there is a moderate physicochemical difference between alanine and glutamic acid. This variant is not present in population databases (ExAC no frequency).